The following is an entry in ClinVar:

ClinVar aggregate classification (germline): Uncertain significance (1 of 4 stars; one submission).

Conditions:
Immunodeficiency. Identifiers: MedGen C0021051, MONDO:0021094, HP:0002721.

Allele frequency attached by ClinVar (database versions not stated): ExAC 0.00002; gnomAD exomes 0.00002; gnomAD 0.00001; TOPMed 0.00001.
gnomAD v4.1: 55 of 1,614,138 alleles (0.0034%); highest among the groups gnomAD compares: Non-Finnish European, 0.0045%; no homozygotes.

Submission:

Labcorp Genetics (formerly Invitae), Labcorp
Classification: Uncertain significance for Immunodeficiency. Last evaluated: 2025-05-05. Review status: criteria provided, single submitter. Criteria: Invitae Variant Classification Sherloc (09022015). Collection method: clinical testing. Allele origin: germline.
Comment: This sequence change replaces threonine, which is neutral and polar, with isoleucine, which is neutral and non-polar, at codon 1431 of the NFAT5 protein (p.Thr1431Ile). This variant is present in population databases (rs772080402, gnomAD 0.005%). This variant has not been reported in the literature in individuals affected with NFAT5-related conditions. ClinVar contains an entry for this variant (Variation ID: 1001014). An algorithm developed to predict the effect of missense changes on protein structure and function (PolyPhen-2) suggests that this variant is likely to be tolerated. In summary, the available evidence is currently insufficient to determine the role of this variant in disease. Therefore, it has been classified as a Variant of Uncertain Significance.

NM_138713.4(NFAT5):c.4574C>T (p.Thr1525Ile)

Gene: NFAT5 (nuclear factor of activated T cells 5; plus strand). Cytogenetic location: 16q22.1.
Variant type: single nucleotide variant.
Coding change: c.4574C>T on transcript NM_138713.4 (MANE Select); coding-DNA position 4574, C replaced by T.
Protein change: p.Thr1525Ile; replaces threonine 1525 with isoleucine.
Molecular consequence: missense variant.
Genome position (GRCh38, 1-based): chr16:69,695,295, C>T. VCF-style: chr16-69695295-C-T. GRCh37 (hg19) VCF-style: chr16-69729198-C-T.
Other names: c.4571C>T, p.Thr1524Ile (NM_001113178.3); c.3899C>T, p.Thr1300Ile (NM_001367709.1); c.4520C>T, p.Thr1507Ile (NM_006599.4); c.4292C>T, p.Thr1431Ile (NM_138714.4, NM_173214.3, NM_173215.3); short protein forms T1300I, T1431I, T1507I, T1524I, T1525I.
Identifiers: ClinVar variation 1001014 (VCV001001014.8), dbSNP rs772080402, ClinGen allele CA8136084.